The following is an entry in ClinVar:

ClinVar aggregate classification (germline): Uncertain significance (1 of 4 stars; one submission).

gnomAD v4.1: 1 of 1,613,060 alleles (0.000062%); highest among the groups gnomAD compares: Non-Finnish European, 0.000085%; no homozygotes.

Submission:

Labcorp Genetics (formerly Invitae), Labcorp
Classification: Uncertain significance. Last evaluated: 2023-10-16. Review status: criteria provided, single submitter. Criteria: Invitae Variant Classification Sherloc (09022015). Collection method: clinical testing. Allele origin: germline.
Comment: This sequence change replaces arginine, which is basic and polar, with serine, which is neutral and polar, at codon 536 of the RAI1 protein (p.Arg536Ser). This variant is not present in population databases (gnomAD no frequency). This variant has not been reported in the literature in individuals affected with RAI1-related conditions. Advanced modeling of protein sequence and biophysical properties (such as structural, functional, and spatial information, amino acid conservation, physicochemical variation, residue mobility, and thermodynamic stability) performed at Invitae indicates that this missense variant is expected to disrupt RAI1 protein function. In summary, the available evidence is currently insufficient to determine the role of this variant in disease. Therefore, it has been classified as a Variant of Uncertain Significance.

NM_030665.4(RAI1):c.1606C>A (p.Arg536Ser)

Gene: RAI1 (retinoic acid induced 1; plus strand). Cytogenetic location: 17p11.2.
Variant type: single nucleotide variant.
Coding change: c.1606C>A on transcript NM_030665.4 (MANE Select); coding-DNA position 1606, C replaced by A.
Protein change: p.Arg536Ser; replaces arginine 536 with serine.
Molecular consequence: missense variant.
Genome position (GRCh38, 1-based): chr17:17,794,554, C>A. VCF-style: chr17-17794554-C-A. GRCh37 (hg19) VCF-style: chr17-17697868-C-A.
Other names: short protein forms R536S.
Identifiers: ClinVar variation 2818634 (VCV002818634.3), dbSNP rs149164900, ClinGen allele CA398548800.